The following is an entry in ClinVar:

NM_005918.4(MDH2):c.872C>A (p.Pro291Gln)

Gene: MDH2 (malate dehydrogenase 2; plus strand). Cytogenetic location: 7q11.23.
Variant type: single nucleotide variant.
Coding change: c.872C>A on transcript NM_005918.4 (MANE Select); coding-DNA position 872, C replaced by A.
Protein change: p.Pro291Gln; replaces proline 291 with glutamine.
Molecular consequence: missense variant.
Genome position (GRCh38, 1-based): chr7:76,064,940, C>A. VCF-style: chr7-76064940-C-A. GRCh37 (hg19) VCF-style: chr7-75694258-C-A.
Other names: NC_000007.13:g.75694258C>A; c.746C>A, p.Pro249Gln (NM_001282403.2); c.551C>A, p.Pro184Gln (NM_001282404.2); short protein forms P184Q, P249Q, P291Q.
Identifiers: ClinVar variation 3225219 (VCV003225219.2), dbSNP rs1554587656, ClinGen allele CA367768856.
Genomic context (GRCh38, chr7:76,064,940, plus strand): 5'-GTGTTGTGGAATGTTCCTTCGTTAAGTCACAGGAAACGGAATGTACCTACTTCTCCACAC[C>A]GCTGCTGCTTGGGGTACGTATCCAGGCGTGGGTCCTTCTGACTGTGGAATAAGGGGGCGT-3'
Protein context (NP_005909.2, residues 281-301): QETECTYFST[Pro291Gln]LLLGKKGIEK

ClinVar aggregate classification (germline): Uncertain significance (1 of 4 stars; one submission).

Conditions:
Inborn genetic diseases. Identifiers: MedGen C0950123, MeSH D030342.

Submissions (2):

Ambry Genetics
Classification: Uncertain significance for Inborn genetic diseases. Last evaluated: 2024-01-17. Review status: criteria provided, single submitter. Criteria: Ambry Variant Classification Scheme 2023. Collection method: clinical testing. Allele origin: germline.
Comment: The p.P291Q variant (also known as c.872C>A), located in coding exon 8 of the MDH2 gene, results from a C to A substitution at nucleotide position 872. The proline at codon 291 is replaced by glutamine, an amino acid with similar properties. This amino acid position is conserved. In addition, this alteration is predicted to be deleterious by in silico analysis. Based on the available evidence, the clinical significance of this alteration remains unclear.

Dr. Peter K. Rogan Lab, Western University
No classification provided (evidence only). Condition: Papillary renal cell carcinoma type 1. Review status: no classification provided. Collection method: in vitro. Allele origin: not applicable. Functional consequence: retained intron. Not counted in ClinVar's aggregate classification.